The following is an entry in ClinVar:

ClinVar aggregate classification (germline): Uncertain significance. Review status: criteria provided, multiple submitters, no conflicts (2 of 4 stars). 2 submissions from 2 submitters: Uncertain significance (2). Last evaluated 2024-12-09.

Conditions:
Inborn genetic diseases. Identifiers: MedGen C0950123, MeSH D030342.

Allele frequency attached by ClinVar (database versions not stated): gnomAD exomes below 0.00001.
gnomAD v4.1: 1 of 1,598,320 alleles (0.000063%); highest among the groups gnomAD compares: Non-Finnish European, 0.000086%; no homozygotes.

Submissions (2):

Labcorp Genetics (formerly Invitae), Labcorp
Classification: Uncertain significance. Last evaluated: 2024-12-09. Review status: criteria provided, single submitter. Criteria: Invitae Variant Classification Sherloc (09022015). Collection method: clinical testing. Allele origin: germline.
Comment: This sequence change falls in intron 3 of the POLR1C gene. It does not directly change the encoded amino acid sequence of the POLR1C protein. It affects a nucleotide within the consensus splice site. This variant is not present in population databases (gnomAD no frequency). This variant has not been reported in the literature in individuals affected with POLR1C-related conditions. ClinVar contains an entry for this variant (Variation ID: 2100463). Variants that disrupt the consensus splice site are a relatively common cause of aberrant splicing (PMID: 17576681, 9536098). Algorithms developed to predict the effect of sequence changes on RNA splicing suggest that this variant may disrupt the consensus splice site. In summary, the available evidence is currently insufficient to determine the role of this variant in disease. Therefore, it has been classified as a Variant of Uncertain Significance.

Ambry Genetics
Classification: Uncertain significance for Inborn genetic diseases. Last evaluated: 2021-08-12. Review status: criteria provided, single submitter. Criteria: Ambry Variant Classification Scheme 2023. Collection method: clinical testing. Allele origin: germline.
Comment: The c.249+3A>G intronic alteration consists of a A to G substitution 3 nucleotides after exon 3 of the POLR1C gene. Based on insufficient or conflicting evidence, the clinical significance of this alteration remains unclear.

Literature cited by the submitters: PubMed 17576681 (cited by Labcorp Genetics (formerly Invitae), Labcorp); PubMed 9536098 (cited by Labcorp Genetics (formerly Invitae), Labcorp).

NM_203290.4(POLR1C):c.249+3A>G

Gene: POLR1C (RNA polymerase I and III subunit C; plus strand). Cytogenetic location: 6p21.1.
Variant type: single nucleotide variant.
Coding change: c.249+3A>G on transcript NM_203290.4 (MANE Select); 3 bases into the intron after coding-DNA position 249, A replaced by G.
Molecular consequence: intron variant.
Genome position (GRCh38, 1-based): chr6:43,519,443, A>G. VCF-style: chr6-43519443-A-G. GRCh37 (hg19) VCF-style: chr6-43487181-A-G.
Other names: c.249+3A>G (NM_001318876.2, NM_001363658.2).
Identifiers: ClinVar variation 2100463 (VCV002100463.5), dbSNP rs2482881631, ClinGen allele CA450288219.